The following is an entry in ClinVar:

ClinVar aggregate classification (germline): Uncertain significance. Review status: criteria provided, single submitter (1 of 4 stars). 3 submissions from 3 submitters: Uncertain significance (1). 2 of the submissions do not count toward it. Last evaluated 2026-01-28.

Conditions:
Developmental and epileptic encephalopathy, 36 (DEE36). Also called: Congenital disorder of glycosylation, type Is; Epileptic encephalopathy, early infantile, 36; ALG13-CDG. Identifiers: Orphanet 324422, MedGen C4317295, MONDO:0010472, OMIM 300884.
Neurodevelopmental delay. Identifiers: MedGen C4022738, HP:0012758.

Submissions (3):

Labcorp Genetics (formerly Invitae), Labcorp
Classification: Uncertain significance for Developmental and epileptic encephalopathy, 36. Last evaluated: 2026-01-28. Review status: criteria provided, single submitter. Criteria: Invitae Variant Classification Sherloc (09022015). Collection method: clinical testing. Allele origin: germline.
Comment: This variant results in the deletion of part of exon 22 (c.2458-15_2486del) of the ALG13 gene. It is expected to disrupt RNA splicing. Variants that disrupt the donor or acceptor splice site typically lead to a loss of protein function (PMID: 16199547), however the current clinical and genetic evidence is not sufficient to establish whether loss-of-function variants in ALG13 cause disease. This variant is present in population databases (rs770762084, gnomAD 0.02%), including at least one homozygous and/or hemizygous individual. This variant has not been reported in the literature in individuals affected with ALG13-related conditions. ClinVar contains an entry for this variant (Variation ID: 1344834). In summary, the available evidence is currently insufficient to determine the role of this variant in disease. Therefore, it has been classified as a Variant of Uncertain Significance.

OMIM
Classification: Pathogenic for DEVELOPMENTAL AND EPILEPTIC ENCEPHALOPATHY 36. Last evaluated: 2022-04-01. Review status: no assertion criteria provided. Collection method: literature only. Allele origin: germline. Not counted in ClinVar's aggregate classification.

Yale Center for Mendelian Genomics, Yale University
Classification: Likely pathogenic for Neurodevelopmental delay. Last evaluated: 2021-03-18. Review status: no assertion criteria provided. Collection method: literature only. Allele origin: germline. Affected: yes. Observed: 1 hemizygote. Study: Yale Center for Mendelian Genomics. Not counted in ClinVar's aggregate classification.

Literature cited by the submitters: PubMed 16199547 (cited by Labcorp Genetics (formerly Invitae), Labcorp); PubMed 33734437 (cited by OMIM and Yale Center for Mendelian Genomics, Yale University).

NM_001099922.3(ALG13):c.2458-15_2486del

Gene: ALG13 (ALG13 UDP-N-acetylglucosaminyltransferase subunit; plus strand). Cytogenetic location: Xq23.
Variant type: Deletion.
Coding change: c.2458-15_2486del on transcript NM_001099922.3 (MANE Select); 15 bases into the intron before coding-DNA position 2458 through coding-DNA position 2486, 44 bases deleted.
Molecular consequence: splice acceptor variant.
Genome position (GRCh38, 1-based): chrX:111,735,036-111,735,079, 44 bases deleted; deleting any 44 consecutive bases within chrX:111,735,032-111,735,079 gives the same sequence; the c. name uses the placement nearest the transcript's 3' end. GRCh37 (hg19): chrX:110,978,264-110,978,307.
Other names: c.2146-15_2174del (NM_001257237.2, NM_001257234.2, NM_001257230.2); c.1972-15_2000del (NM_001324293.1); c.2224-15_2252del (NM_001257231.2); c.2458-15_2486del (NM_001324292.2).
Identifiers: ClinVar variation 1344834 (VCV001344834.6), dbSNP rs770762084, ClinGen allele CA10493913.